The following is an entry in ClinVar:

ClinVar aggregate classification (germline): Pathogenic (1 of 4 stars; one submission).

Submission:

Labcorp Genetics (formerly Invitae), Labcorp
Classification: Pathogenic. Last evaluated: 2024-10-12. Review status: criteria provided, single submitter. Criteria: Invitae Variant Classification Sherloc (09022015). Collection method: clinical testing. Allele origin: germline.
Comment: This sequence change creates a premature translational stop signal (p.Gln87*) in the SLC22A12 gene. It is expected to result in an absent or disrupted protein product. Loss-of-function variants in SLC22A12 are known to be pathogenic (PMID: 14694169). Information on the frequency of this variant in the gnomAD database is not available, as this variant may be reported differently in the database. This variant has not been reported in the literature in individuals affected with SLC22A12-related conditions. For these reasons, this variant has been classified as Pathogenic.

Literature cited by the submitters: PubMed 14694169.

NM_144585.4(SLC22A12):c.258_259delinsTT (p.Gln87Ter)

Gene: SLC22A12 (solute carrier family 22 member 12; plus strand). Cytogenetic location: 11q13.1.
Variant type: Indel.
Coding change: c.258_259delinsTT on transcript NM_144585.4 (MANE Select); coding-DNA positions 258 to 259, CC replaced by TT.
Protein change: p.Gln87Ter; replaces glutamine 87 with a stop codon.
Molecular consequence: nonsense. On other transcripts: 5 prime UTR variant (1).
Genome position (GRCh38, 1-based): chr11:64,591,814-64,591,815, CC replaced by TT. VCF-style: chr11-64591814-CC-TT. GRCh37 (hg19) VCF-style: chr11-64359286-CC-TT.
Other names: c.258_259delinsTT, p.Gln87Ter (NM_001276326.2, NM_001276327.2); c.-251_-250delinsTT (NM_153378.3); short protein forms Q87*.
Identifiers: ClinVar variation 3615385 (VCV003615385.2).